The following is an entry in ClinVar:

NM_014915.3(ANKRD26):c.3674A>C (p.Gln1225Pro)

Gene: ANKRD26 (ankyrin repeat domain containing 26; minus strand). Cytogenetic location: 10p12.1.
Variant type: single nucleotide variant.
Coding change: c.3674A>C on transcript NM_014915.3 (MANE Select); coding-DNA position 3674, A replaced by C.
Protein change: p.Gln1225Pro; replaces glutamine 1225 with proline.
Molecular consequence: missense variant.
Genome position (GRCh38, 1-based): chr10:27,033,358, T>G on the plus strand (A>C on the coding strand, the complement: ANKRD26 is on the minus strand). VCF-style: chr10-27033358-T-G. GRCh37 (hg19) VCF-style: chr10-27322287-T-G.
Other names: c.3671A>C, p.Gln1224Pro (NM_001256053.2); short protein forms Q1224P, Q1225P.
Identifiers: ClinVar variation 3872211 (VCV003872211.1).
Genomic context (GRCh38, chr10:27,033,358, plus strand): 5'-GTAACCTCCAGTGAAGCCTCTGACATAGATTGTTTTTTTAGGGTATCAGCTAGTTCTTGT[T>G]GAAGTTGTCTCACAACAACCTGATAAGACATTTTGTTACTGATTTTATAAATCACCTTAT-3'
Protein context (NP_055730.2, residues 1215-1235): AEREVVVRQL[Gln1225Pro]QELADTLKKQ

ClinVar aggregate classification (germline): Uncertain significance (1 of 4 stars; one submission).

Conditions:
Inborn genetic diseases. Identifiers: MedGen C0950123, MeSH D030342.

Submission:

Ambry Genetics
Classification: Uncertain significance for Inborn genetic diseases. Last evaluated: 2025-03-12. Review status: criteria provided, single submitter. Criteria: Ambry Variant Classification Scheme 2023. Collection method: clinical testing. Allele origin: germline.
Comment: The p.Q1225P variant (also known as c.3674A>C), located in coding exon 25 of the ANKRD26 gene, results from an A to C substitution at nucleotide position 3674. The glutamine at codon 1225 is replaced by proline, an amino acid with similar properties. This amino acid position is conserved. In addition, the in silico prediction for this alteration is inconclusive. Based on the available evidence, the clinical significance of this variant remains unclear.